The following is an entry in ClinVar:

NM_017849.4(TMEM127):c.244+5G>A

Gene: TMEM127 (transmembrane protein 127; minus strand). Cytogenetic location: 2q11.2.
Variant type: single nucleotide variant.
Coding change: c.244+5G>A on transcript NM_017849.4 (MANE Select); 5 bases into the intron after coding-DNA position 244, G replaced by A.
Molecular consequence: intron variant.
Genome position (GRCh38, 1-based): chr2:96,265,133, C>T on the plus strand (G>A on the coding strand, the complement: TMEM127 is on the minus strand). VCF-style: chr2-96265133-C-T. GRCh37 (hg19) VCF-style: chr2-96930871-C-T.
Other names: c.244+5G>A (NM_017849.3, NM_001193304.3).
Identifiers: ClinVar variation 1026536 (VCV001026536.7), dbSNP rs1684386631, ClinGen allele CA1272526923.

ClinVar aggregate classification (germline): Uncertain significance. Review status: criteria provided, multiple submitters, no conflicts (2 of 4 stars). 2 submissions from 2 submitters: Uncertain significance (2). Last evaluated 2025-10-19.

Conditions:
Hereditary cancer-predisposing syndrome. Also called: Hereditary neoplastic syndrome; Hereditary Cancer Syndrome; Tumor predisposition; Neoplastic Syndromes, Hereditary. Identifiers: Orphanet 140162, MedGen C0027672, MeSH D009386, MONDO:0015356.
Hereditary pheochromocytoma and paraganglioma. Also called: Hereditary pheochromocytoma-paraganglioma; Hereditary Paraganglioma-Pheochromocytoma Syndromes; Hereditary paragangliomas and pheochromocytomas. Identifiers: Orphanet 29072, MedGen C4274332, MONDO:0017366.

Submissions (2):

Labcorp Genetics (formerly Invitae), Labcorp
Classification: Uncertain significance for Hereditary pheochromocytoma and paraganglioma. Last evaluated: 2025-10-19. Review status: criteria provided, single submitter. Criteria: Invitae Variant Classification Sherloc (09022015). Collection method: clinical testing. Allele origin: germline.
Comment: This sequence change falls in intron 2 of the TMEM127 gene. It does not directly change the encoded amino acid sequence of the TMEM127 protein. It affects a nucleotide within the consensus splice site. This variant is not present in population databases (gnomAD no frequency). This variant has not been reported in the literature in individuals affected with TMEM127-related conditions. ClinVar contains an entry for this variant (Variation ID: 1026536). Variants that disrupt the consensus splice site are a relatively common cause of aberrant splicing (PMID: 17576681, 9536098). Algorithms developed to predict the effect of sequence changes on RNA splicing suggest that this variant may create or strengthen a splice site. In summary, the available evidence is currently insufficient to determine the role of this variant in disease. Therefore, it has been classified as a Variant of Uncertain Significance.

Ambry Genetics
Classification: Uncertain significance for Hereditary cancer-predisposing syndrome. Last evaluated: 2025-02-26. Review status: criteria provided, single submitter. Criteria: Ambry Variant Classification Scheme 2023. Collection method: clinical testing. Allele origin: germline.
Comment: The c.244+5G>A intronic variant results from a G to A substitution 5 nucleotides after coding exon 1 in the TMEM127 gene. This nucleotide position is highly conserved in available vertebrate species. In silico splice site analysis predicts that this alteration may result in the creation or strengthening of a novel splice donor site. Based on the available evidence, the clinical significance of this variant remains unclear.

Literature cited by the submitters: PubMed 17576681 (cited by Labcorp Genetics (formerly Invitae), Labcorp); PubMed 9536098 (cited by Labcorp Genetics (formerly Invitae), Labcorp).